The following is an entry in ClinVar:

NM_000059.4(BRCA2):c.8632+695C>T

Gene: BRCA2 (BRCA2 DNA repair associated; plus strand). Cytogenetic location: 13q13.1.
Variant type: single nucleotide variant.
Coding change: c.8632+695C>T on transcript NM_000059.4 (MANE Select); 695 bases into the intron after coding-DNA position 8632, C replaced by T.
Molecular consequence: intron variant.
Genome position (GRCh38, 1-based): chr13:32,371,795, C>T. VCF-style: chr13-32371795-C-T. GRCh37 (hg19) VCF-style: chr13-32945932-C-T.
Other names: IVS 20+695C>T.
Identifiers: ClinVar variation 209821 (VCV000209821.1), dbSNP rs573014, ClinGen allele CA276789.

ClinVar aggregate classification (germline): Benign (3 of 4 stars; one submission).

Conditions:
Breast-ovarian cancer, familial, susceptibility to, 2 (BROVCA2). Also called: BRCA2 Hereditary Breast and Ovarian Cancer. Identifiers: Orphanet 145, MedGen C2675520, MONDO:0012933, OMIM 612555. Disease mechanism: loss of function.

Allele frequency attached by ClinVar (database versions not stated): 1000 Genomes Project 30x 0.20815; 1000 Genomes Project 0.20887; gnomAD 0.21985 and 0.22266; TOPMed 0.22489.
gnomAD v4.1: 33,979 of 152,026 alleles (22%); highest among the groups gnomAD compares: Middle Eastern, 30%; 4,257 homozygotes.

Submission:

Evidence-based Network for the Interpretation of Germline Mutant Alleles (ENIGMA)
Classification: Benign for Breast-ovarian cancer, familial 2. Last evaluated: 2015-01-12. Review status: reviewed by expert panel. Criteria: ENIGMA BRCA1/2 Classification Criteria (2015). Collection method: curation. Allele origin: germline.
Comment: Class 1 not pathogenic based on frequency >1% in an outbred sampleset. Frequency 0.1906 (Asian), 0.09959 (African), 0.248 (European), derived from 1000 genomes (2012-04-30).